The following is an entry in ClinVar:

ClinVar aggregate classification (germline): Benign. Review status: criteria provided, single submitter (1 of 4 stars). 2 submissions from 2 submitters: Benign (1). 1 of the submissions does not count toward it. Last evaluated 2025-11-25.

Conditions:
Exostoses, multiple, type 2 (EXT2). Also called: Hereditary Multiple Osteochondromatosis, Type II; EXOSTOSES, MULTIPLE, TYPE II. Identifiers: Orphanet 321, MedGen C1851413, MONDO:0007586, OMIM 133701.
EXT2-related disorder. Also called: EXT2-related condition.

Allele frequency attached by ClinVar (database versions not stated): gnomAD exomes 0.00005; ExAC 0.00007; 1000 Genomes Project 30x 0.00016; gnomAD 0.00017 and 0.00018; TOPMed 0.00017; 1000 Genomes Project 0.00020; ESP Exome Variant Server 0.00031.
gnomAD v4.1: 46 of 1,614,116 alleles (0.0028%); highest among the groups gnomAD compares: African/African-American, 0.059%; no homozygotes.

Submissions (2):

Labcorp Genetics (formerly Invitae), Labcorp
Classification: Benign for Exostoses, multiple, type 2. Last evaluated: 2025-11-25. Review status: criteria provided, single submitter. Criteria: Invitae Variant Classification Sherloc (09022015). Collection method: clinical testing. Allele origin: germline.

PreventionGenetics, part of Exact Sciences
Classification: Likely benign for EXT2-related condition. Last evaluated: 2023-11-27. Review status: no assertion criteria provided. Collection method: clinical testing. Allele origin: germline. Not counted in ClinVar's aggregate classification.
Comment: This variant is classified as likely benign based on ACMG/AMP sequence variant interpretation guidelines (Richards et al. 2015 PMID: 25741868, with internal and published modifications).

NM_207122.2(EXT2):c.1554G>A (p.Lys518=)

Gene: EXT2 (exostosin glycosyltransferase 2; plus strand). Cytogenetic location: 11p11.2.
Variant type: single nucleotide variant.
Coding change: c.1554G>A on transcript NM_207122.2 (MANE Select); coding-DNA position 1554, G replaced by A.
Protein change: p.Lys518=; no amino-acid change (lysine 518 retained).
Molecular consequence: synonymous variant.
Genome position (GRCh38, 1-based): chr11:44,206,851, G>A. VCF-style: chr11-44206851-G-A. GRCh37 (hg19) VCF-style: chr11-44228401-G-A.
Other names: c.1554G>A (NM_207122.1); c.1653G>A, p.Lys551= (NM_000401.3); c.1584G>A, p.Lys528= (NM_001178083.3); c.1554G>A, p.Lys518= (NM_001389628.1, NM_001389630.1).
Identifiers: ClinVar variation 1645431 (VCV001645431.10), dbSNP rs144238557, ClinGen allele CA5955293.